The following is an entry in ClinVar:

ClinVar aggregate classification (germline): Uncertain significance (1 of 4 stars; one submission).

Conditions:
Adams-Oliver syndrome 5 (AOS5). Identifiers: Orphanet 974, MedGen C4014970, MONDO:0014459, OMIM 616028.

Submission:

Labcorp Genetics (formerly Invitae), Labcorp
Classification: Uncertain significance for Adams-Oliver syndrome 5. Last evaluated: 2025-11-09. Review status: criteria provided, single submitter. Criteria: Invitae Variant Classification Sherloc (09022015). Collection method: clinical testing. Allele origin: germline.
Comment: This sequence change replaces serine, which is neutral and polar, with asparagine, which is neutral and polar, at codon 2073 of the NOTCH1 protein (p.Ser2073Asn). This variant is not present in population databases (gnomAD no frequency). This variant has not been reported in the literature in individuals affected with NOTCH1-related conditions. Invitae Evidence Modeling of protein sequence and biophysical properties (such as structural, functional, and spatial information, amino acid conservation, physicochemical variation, residue mobility, and thermodynamic stability) has been performed for this missense variant. However, the output from this modeling did not meet the statistical confidence thresholds required to predict the impact of this variant on NOTCH1 protein function. In summary, the available evidence is currently insufficient to determine the role of this variant in disease. Therefore, it has been classified as a Variant of Uncertain Significance.

NM_017617.5(NOTCH1):c.6218G>A (p.Ser2073Asn)

Gene: NOTCH1 (notch receptor 1; minus strand). Cytogenetic location: 9q34.3.
Variant type: single nucleotide variant.
Coding change: c.6218G>A on transcript NM_017617.5 (MANE Select); coding-DNA position 6218, G replaced by A.
Protein change: p.Ser2073Asn; replaces serine 2073 with asparagine.
Molecular consequence: missense variant.
Genome position (GRCh38, 1-based): chr9:136,497,521, C>T on the plus strand (G>A on the coding strand, the complement: NOTCH1 is on the minus strand). VCF-style: chr9-136497521-C-T. GRCh37 (hg19) VCF-style: chr9-139391973-C-T.
Other names: short protein forms S2073N.
Identifiers: ClinVar variation 4811583 (VCV004811583.1).
Genomic context (GRCh38, chr9:136,497,521, plus strand): 5'-ATATGATCCGTGATGTCCCGGTTGGCAAAGTGGTCCAGCAGCACCTTGGCGGTCTCGTAG[C>T]TGCCCTCCCGGGCGGCCAGAAACAGGGGTGTCTCCTCCTGGGGGATGAGGGCGGGGGCCG-3'
Protein context (NP_060087.3, residues 2063-2083): TPLFLAAREG[Ser2073Asn]YETAKVLLDH